The following is an entry in ClinVar:

NM_002109.6(HARS1):c.745G>T (p.Val249Leu)

Gene: HARS1 (histidyl-tRNA synthetase 1; minus strand). Cytogenetic location: 5q31.3.
Variant type: single nucleotide variant.
Coding change: c.745G>T on transcript NM_002109.6 (MANE Select); coding-DNA position 745, G replaced by T.
Protein change: p.Val249Leu; replaces valine 249 with leucine.
Molecular consequence: missense variant.
Genome position (GRCh38, 1-based): chr5:140,677,405, C>A on the plus strand (G>T on the coding strand, the complement: HARS1 is on the minus strand). VCF-style: chr5-140677405-C-A. GRCh37 (hg19) VCF-style: chr5-140056990-C-A.
Other names: c.625G>T, p.Val209Leu (NM_001258040.3); c.685G>T, p.Val229Leu (NM_001258041.3); c.565G>T, p.Val189Leu (NM_001258042.3); c.523G>T, p.Val175Leu (NM_001289092.2); c.403G>T, p.Val135Leu (NM_001289093.2); c.658G>T, p.Val220Leu (NM_001289094.2); short protein forms V135L, V175L, V189L, V209L, V220L, V229L, V249L.
Identifiers: ClinVar variation 667243 (VCV000667243.5), dbSNP rs1223501940, ClinGen allele CA361254161.

ClinVar aggregate classification (germline): Uncertain significance (1 of 4 stars; one submission).

Submission:

Laboratory for Molecular Medicine, Mass General Brigham Personalized Medicine
Classification: Uncertain significance. Last evaluated: 2019-02-12. Review status: criteria provided, single submitter. Criteria: LMM Criteria. Collection method: clinical testing. Allele origin: germline. Observed: 1 variant allele.
Comment: The p.Val249Leu variant in HARS has not been previously reported in individuals with hearing loss or Usher syndrome and was absent from large population studies. Computational prediction tools and conservation analysis suggest that the variant may impact the protein, though this information is not predictive enough to determine pathogenicity. In summary, the clinical significance of the p.Val249Leu variant is uncertain. ACMG/AMP Criteria applied: PP3, PM2.